The following is an entry in ClinVar:

ClinVar aggregate classification (germline): Uncertain significance. Review status: criteria provided, multiple submitters, no conflicts (2 of 4 stars). 2 submissions from 2 submitters: Uncertain significance (2). Last evaluated 2025-03-30.

Conditions:
Epidermolysis bullosa simplex 5B, with muscular dystrophy (EBS5B). Also called: Epidermolysis bullosa simplex with muscular dystrophy; EPIDERMOLYSIS BULLOSA SIMPLEX AND LIMB-GIRDLE MUSCULAR DYSTROPHY. Identifiers: Orphanet 257, MedGen C2931072, MONDO:0009181, OMIM 226670.
Epidermolysis bullosa simplex 5C, with pyloric atresia (EBS5C). Also called: PLEC1-Related Epidermolysis Bullosa with Pyloric Atresia; PLEC-Related Epidermolysis Bullosa with Pyloric Atresia; Epidermolysis bullosa simplex with pyloric atresia. Identifiers: Orphanet 158684, MedGen C2677349, MONDO:0012807, OMIM 612138.
Autosomal recessive limb-girdle muscular dystrophy type 2Q (LGMDR17). Also called: MUSCULAR DYSTROPHY, LIMB-GIRDLE, AUTOSOMAL RECESSIVE 17. Identifiers: Orphanet 254361, MedGen C3150989, MONDO:0013390, OMIM 613723.
Epidermolysis bullosa simplex, Ogna type (EBS5A). Also called: Pidermolysis bullosa simplex 5A, Ogna type; EPIDERMOLYSIS BULLOSA SIMPLEX 5A, OGNA TYPE. Identifiers: Orphanet 79401, MedGen C0432317, MONDO:0007555, OMIM 131950.
Epidermolysis bullosa simplex with nail dystrophy (EBS5D). Identifiers: MedGen C4225309, MONDO:0014661, OMIM 616487.

Allele frequency attached by ClinVar (database versions not stated): gnomAD 0.00001; TOPMed 0.00001; gnomAD exomes 0.00002; ExAC 0.00003.

Submissions (2):

Labcorp Genetics (formerly Invitae), Labcorp
Classification: Uncertain significance for Autosomal recessive limb-girdle muscular dystrophy type 2Q; Epidermolysis bullosa simplex, Ogna type; Epidermolysis bullosa simplex with nail dystrophy; Epidermolysis bullosa simplex 5C, with pyloric atresia; Epidermolysis bullosa simplex 5B, with muscular dystrophy. Last evaluated: 2025-03-30. Review status: criteria provided, single submitter. Criteria: Invitae Variant Classification Sherloc (09022015). Collection method: clinical testing. Allele origin: germline.
Comment: This sequence change replaces leucine, which is neutral and non-polar, with proline, which is neutral and non-polar, at codon 1212 of the PLEC protein (p.Leu1212Pro). This variant is present in population databases (rs781889681, gnomAD 0.005%). This variant has not been reported in the literature in individuals affected with PLEC-related conditions. ClinVar contains an entry for this variant (Variation ID: 1396329). Invitae Evidence Modeling of protein sequence and biophysical properties (such as structural, functional, and spatial information, amino acid conservation, physicochemical variation, residue mobility, and thermodynamic stability) indicates that this missense variant is not expected to disrupt PLEC protein function with a negative predictive value of 80%. In summary, the available evidence is currently insufficient to determine the role of this variant in disease. Therefore, it has been classified as a Variant of Uncertain Significance.

Revvity Omics, Revvity
Classification: Uncertain significance. Last evaluated: 2019-10-18. Review status: criteria provided, single submitter. Criteria: ACMG Guidelines, 2015. Collection method: clinical testing. Allele origin: germline.

NM_201384.3(PLEC):c.3554T>C (p.Leu1185Pro)

Gene: PLEC (plectin; minus strand). Cytogenetic location: 8q24.3.
Variant type: single nucleotide variant.
Coding change: c.3554T>C on transcript NM_201384.3 (MANE Select); coding-DNA position 3554, T replaced by C.
Protein change: p.Leu1185Pro; replaces leucine 1185 with proline.
Molecular consequence: missense variant.
Genome position (GRCh38, 1-based): chr8:143,927,612, A>G on the plus strand (T>C on the coding strand, the complement: PLEC is on the minus strand). VCF-style: chr8-143927612-A-G. GRCh37 (hg19) VCF-style: chr8-145001780-A-G.
Other names: c.3635T>C (NM_000445.3); c.3635T>C, p.Leu1212Pro (NM_000445.5); c.3512T>C, p.Leu1171Pro (NM_201378.4); c.3488T>C, p.Leu1163Pro (NM_201379.3); c.3965T>C, p.Leu1322Pro (NM_201380.4); c.3458T>C, p.Leu1153Pro (NM_201381.3); c.3554T>C, p.Leu1185Pro (NM_201382.4); c.3566T>C, p.Leu1189Pro (NM_201383.3); short protein forms L1163P, L1153P, L1171P, L1185P, L1212P, L1322P, L1189P.
Identifiers: ClinVar variation 1396329 (VCV001396329.10), dbSNP rs781889681, ClinGen allele CA4927026.
Genomic context (GRCh38, chr8:143,927,612, plus strand): 5'-AGTTGCTCGAGCTCGCGCTGCCGCACGTCGGTCTGGGCCAGCACAGCCTGCCAGCGCTCA[A>G]GCAACTGGGCGACCCGCTCCCGCCAGCGCTCCACCTCCACGTCCCGCTCCCCGTGCCGCT-3'
Protein context (NP_958786.1, residues 1175-1195): ERWRERVAQL[Leu1185Pro]ERWQAVLAQT